The following is an entry in ClinVar:

ClinVar aggregate classification (germline): Pathogenic (1 of 4 stars; one submission).

Submission:

ISCA site 4
Classification: Pathogenic. Last evaluated: 2011-08-12. Review status: criteria provided, single submitter. Criteria: Kaminsky et al. (Genet Med. 2011). Collection method: clinical testing. Allele origin: unknown. Affected: yes. Observed: 1 variant allele.
Comment: Copy number variation identified through the course of routine clinical cytogenomic testing in postnatal populations. Clinical assertions have been curated as described in Kaminsky et al. 2011.

GRCh38/hg38 5q23.1-23.2(chr5:120695675-124525372)x1

Genes: CEP120 (centrosomal protein 120; minus strand), CSNK1G3 (casein kinase 1 gamma 3; plus strand), FTMT (ferritin mitochondrial; plus strand), LINC01170 (long intergenic non-protein coding RNA 1170; minus strand), LINC02201 (long intergenic non-protein coding RNA 2201; minus strand) and 53 more. Cytogenetic location: 5q23.1-23.2.
Variant type: copy number loss.
Change: copy number 1 (one copy instead of two) of chr5:120,695,675-124,525,372 (3.83 Mb, GRCh38 coordinates, 1-based), cytogenetic band 5q23.1-23.2.
Identifiers: ClinVar variation 57490 (VCV000057490.1).